The following is an entry in ClinVar:

ClinVar aggregate classification (germline): Uncertain significance (1 of 4 stars; one submission).

Conditions:
Cardiovascular phenotype. Identifiers: MedGen CN230736.

Submission:

Ambry Genetics
Classification: Uncertain significance for Cardiovascular phenotype. Last evaluated: 2019-11-25. Review status: criteria provided, single submitter. Criteria: Ambry Variant Classification Scheme 2023. Collection method: clinical testing. Allele origin: germline.
Comment: The c.1253_1255delGCCinsTACCAGA variant, located in coding exon 23 of the COL1A2 gene, results from the deletion of 3 nucleotides and insertion of 7 nucleotides at positions 1253 to 1255, causing a translational frameshift with a predicted alternate stop codon (p.G418Vfs*6). This alteration is expected to result in loss of function by premature protein truncation or nonsense-mediated mRNA decay. However, although evidence suggests that loss of function of COL1A2 may be pathogenic in association with autosomal recessive cardiac valvular Ehlers-Danlos syndrome, loss of function of COL1A2 has not been clearly established as a mechanism of disease for either autosomal dominant Ehlers-Danlos syndrome or osteogenesis imperfecta. Since supporting evidence is limited at this time, the clinical significance of this alteration remains unclear.

NM_000089.4(COL1A2):c.1253_1255delinsTACCAGA (p.Gly418fs)

Gene: COL1A2 (collagen type I alpha 2 chain; plus strand). Cytogenetic location: 7q21.3.
Variant type: Indel.
Coding change: c.1253_1255delinsTACCAGA on transcript NM_000089.4 (MANE Select); coding-DNA positions 1253 to 1255, GCC replaced by TACCAGA.
Protein change: p.Gly418fs; shifts the reading frame from glycine 418.
Molecular consequence: frameshift variant.
Genome position (GRCh38, 1-based): chr7:94,411,057-94,411,059, GCC replaced by TACCAGA. VCF-style: chr7-94411057-GCC-TACCAGA. GRCh37 (hg19) VCF-style: chr7-94040369-GCC-TACCAGA.
Other names: short protein forms G418fs.
Identifiers: ClinVar variation 1761149 (VCV001761149.2), dbSNP rs2484710617, ClinGen allele CA2580077983.